The following is an entry in ClinVar:

NM_002878.4(RAD51D):c.792C>T (p.Leu264=)

Genes: RAD51L3-RFFL (RAD51L3-RFFL readthrough; minus strand), RAD51D (RAD51 paralog D; minus strand). Cytogenetic location: 17q12.
Variant type: single nucleotide variant.
Coding change: c.792C>T on transcript NM_002878.4 (MANE Select); coding-DNA position 792, C replaced by T.
Protein change: p.Leu264=; no amino-acid change (leucine 264 retained).
Molecular consequence: synonymous variant. On other transcripts: non-coding transcript variant (3).
Genome position (GRCh38, 1-based): chr17:35,101,312, G>A on the plus strand (C>T on the coding strand, the complement: RAD51D is on the minus strand). VCF-style: chr17-35101312-G-A. GRCh37 (hg19) VCF-style: chr17-33428331-G-A.
Other names: c.852C>T, p.Leu284= (NM_001142571.2); c.456C>T, p.Leu152= (NM_133629.3).
Identifiers: ClinVar variation 185964 (VCV000185964.18), dbSNP rs536544621, ClinGen allele CA193511.

ClinVar aggregate classification (germline): Benign/Likely benign. Review status: criteria provided, multiple submitters, no conflicts (2 of 4 stars). 4 submissions from 4 submitters: Benign (1); Likely benign (3). Last evaluated 2026-01-07.

Conditions:
Hereditary cancer-predisposing syndrome. Also called: Hereditary neoplastic syndrome; Neoplastic Syndromes, Hereditary; Tumor predisposition; Hereditary Cancer Syndrome. Identifiers: Orphanet 140162, MedGen C0027672, MeSH D009386, MONDO:0015356.
Breast-ovarian cancer, familial, susceptibility to, 4. Identifiers: Orphanet 145, MedGen C3280345, MONDO:0013669, OMIM 614291.

Allele frequency attached by ClinVar (database versions not stated): 1000 Genomes Project 30x 0.00016; 1000 Genomes Project 0.00020.
gnomAD v4.1: 13 of 1,614,130 alleles (0.00081%); highest among the groups gnomAD compares: South Asian, 0.0055%; no homozygotes.

Submissions (4):

Labcorp Genetics (formerly Invitae), Labcorp
Classification: Likely benign for Breast-ovarian cancer, familial, susceptibility to, 4. Last evaluated: 2026-01-07. Review status: criteria provided, single submitter. Criteria: Invitae Variant Classification Sherloc (09022015). Collection method: clinical testing. Allele origin: germline.

Myriad Genetics, Inc.
Classification: Benign for Breast-ovarian cancer, familial, susceptibility to, 4. Last evaluated: 2025-02-24. Review status: criteria provided, single submitter. Criteria: Myriad Autosomal Dominant, Autosomal Recessive and X-Linked Classification Criteria (2023). Collection method: clinical testing. Allele origin: unknown.
Comment: This variant is considered benign. This variant is a silent/synonymous amino acid change and it is not expected to impact splicing.

Color Diagnostics, LLC DBA Color Health
Classification: Likely benign for Hereditary cancer-predisposing syndrome. Last evaluated: 2018-03-24. Review status: criteria provided, single submitter. Criteria: ACMG Guidelines, 2015. Collection method: clinical testing. Allele origin: germline.

Ambry Genetics
Classification: Likely benign for Hereditary cancer-predisposing syndrome. Last evaluated: 2014-08-29. Review status: criteria provided, single submitter. Criteria: Ambry Variant Classification Scheme 2023. Collection method: clinical testing. Allele origin: germline.